The following is an entry in ClinVar:

ClinVar aggregate classification (germline): Uncertain significance. Review status: criteria provided, multiple submitters, no conflicts (2 of 4 stars). 2 submissions from 2 submitters: Uncertain significance (2). Last evaluated 2026-06-04.

Conditions:
Inborn genetic diseases. Identifiers: MedGen C0950123, MeSH D030342.
Supravalvar aortic stenosis (SVAS). Also called: Supravalvar aortic stenosis, Eisenberg type. Identifiers: Orphanet 3193, MedGen C0003499, MONDO:0008504, OMIM 185500, HP:0004381.

Allele frequency attached by ClinVar (database versions not stated): gnomAD exomes 0.00001.
gnomAD v4.1: 10 of 1,614,226 alleles (0.00062%); highest among the groups gnomAD compares: Non-Finnish European, 0.00085%; no homozygotes.

Submissions (2):

Ambry Genetics
Classification: Uncertain significance for Inborn genetic diseases. Last evaluated: 2026-06-04. Review status: criteria provided, single submitter. Criteria: Ambry Variant Classification Scheme 2023. Collection method: clinical testing. Allele origin: germline.

Labcorp Genetics (formerly Invitae), Labcorp
Classification: Uncertain significance for Supravalvar aortic stenosis. Last evaluated: 2022-09-25. Review status: criteria provided, single submitter. Criteria: Invitae Variant Classification Sherloc (09022015). Collection method: clinical testing. Allele origin: germline.
Comment: This sequence change replaces alanine, which is neutral and non-polar, with threonine, which is neutral and polar, at codon 187 of the ELN protein (p.Ala187Thr). This variant is not present in population databases (gnomAD no frequency). This variant has not been reported in the literature in individuals affected with ELN-related conditions. Advanced modeling of protein sequence and biophysical properties (such as structural, functional, and spatial information, amino acid conservation, physicochemical variation, residue mobility, and thermodynamic stability) performed at Invitae indicates that this missense variant is not expected to disrupt ELN protein function. In summary, the available evidence is currently insufficient to determine the role of this variant in disease. Therefore, it has been classified as a Variant of Uncertain Significance.

NM_000501.4(ELN):c.559G>A (p.Ala187Thr)

Gene: ELN (elastin; plus strand). Cytogenetic location: 7q11.23.
Variant type: single nucleotide variant.
Coding change: c.559G>A on transcript NM_000501.4 (MANE Select); coding-DNA position 559, G replaced by A.
Protein change: p.Ala187Thr; replaces alanine 187 with threonine.
Molecular consequence: missense variant. On other transcripts: intron variant (2).
Genome position (GRCh38, 1-based): chr7:74,046,205, G>A. VCF-style: chr7-74046205-G-A. GRCh37 (hg19) VCF-style: chr7-73460535-G-A.
Other names: c.529G>A, p.Ala177Thr (NM_001081752.3, NM_001278917.2); c.574G>A, p.Ala192Thr (NM_001081753.3, NM_001081754.3); c.559G>A, p.Ala187Thr (NM_001081755.3, NM_001278912.2, NM_001278915.2 and 2 more transcripts); c.544G>A, p.Ala182Thr (NM_001278914.2); c.506-491G>A (NM_001278913.2); c.440-491G>A (NM_001278918.2); c.559G>A (NM_000501.2); short protein forms A177T, A182T, A187T, A192T.
Identifiers: ClinVar variation 1720345 (VCV001720345.6), dbSNP rs1203097447, ClinGen allele CA367870161.